The following continues an entry in ClinVar:

NM_000059.4(BRCA2):c.7006C>T (p.Arg2336Cys)

Gene: BRCA2. ClinVar aggregate classification (germline): Conflicting classifications of pathogenicity. Uncertain significance (10); Benign (1); Likely benign (2).

Submissions 8 to 15 of 15:

GeneDx
Classification: Uncertain significance. Last evaluated: 2023-06-20. Review status: criteria provided, single submitter. Criteria: GeneDx Variant Classification Process June 2021. Collection method: clinical testing. Allele origin: germline. Affected: yes.
Comment: Observed in individuals with a personal or family history of breast and/or ovarian cancer (Levanat et al., 2012; Alemar et al., 2017); In silico analysis supports that this missense variant does not alter protein structure/function; Not observed at significant frequency in large population cohorts (gnomAD); Also known as 7234C>T; This variant is associated with the following publications: (PMID: 31143303, 29541205, 29161300, 22366370, 32297440, 37129948, 32467295)

Laboratory of Molecular Epidemiology of Birth Defects, West China Second University Hospital, Sichuan University
Classification: Benign for Ovarian cancer. Last evaluated: 2022-01-01. Review status: criteria provided, single submitter. Criteria: ACMG Guidelines, 2015. Collection method: clinical testing. Allele origin: germline. Affected: yes.

Blueprint Genetics
Classification: Uncertain significance. Last evaluated: 2021-02-26. Review status: criteria provided, single submitter. Criteria: ACMG Guidelines, 2015. Collection method: clinical testing. Allele origin: germline.

CHEO Genetics Diagnostic Laboratory, Children's Hospital of Eastern Ontario
Classification: Uncertain significance for Breast and/or ovarian cancer. Last evaluated: 2021-01-21. Review status: criteria provided, single submitter. Criteria: ACMG Guidelines, 2015. Collection method: clinical testing. Allele origin: germline.

Ambry Genetics
Classification: Likely benign for Hereditary cancer-predisposing syndrome. Last evaluated: 2018-03-09. Review status: criteria provided, single submitter. Criteria: Ambry Variant Classification Scheme 2023. Collection method: clinical testing. Allele origin: germline.

Molecular Genetics Laboratory, University of Michigan
Classification: Uncertain significance for Breast-ovarian cancer, familial, susceptibility to, 2. Last evaluated: 2014-11-03. Review status: criteria provided, single submitter. Criteria: ACMG Guidelines, 2015. Collection method: clinical testing. Allele origin: germline. Affected: yes.

PreventionGenetics, part of Exact Sciences
Classification: Uncertain significance for BRCA2-related condition. Last evaluated: 2024-03-20. Review status: no assertion criteria provided. Collection method: clinical testing. Allele origin: germline. Not counted in ClinVar's aggregate classification.
Comment: The BRCA2 c.7006C>T variant is predicted to result in the amino acid substitution p.Arg2336Cys. This variant was reported in individuals with a personal or family history of breast and ovarian cancer, but family or functional studies were not reported to help assess the pathogenicity of this variant (Levanat et al. 2012. PubMed ID: 22366370; Alemar et al. 2017. PubMed ID: 29161300). In vitro splicing studies found that this variant did not alter splicing (Wangensteen T et al 2019. PubMed ID: 31143303). This variant is reported in 0.012% of alleles in individuals of African descent in gnomAD and is interpreted as uncertain significance by the vast majority of submitters in ClinVar. At this time, the clinical significance of this variant is uncertain due to the absence of conclusive functional and genetic evidence.

Sharing Clinical Reports Project (SCRP)
Classification: Uncertain significance for Breast-ovarian cancer, familial 2. Last evaluated: 2011-10-18. Review status: no assertion criteria provided. Collection method: clinical testing. Allele origin: germline. Not counted in ClinVar's aggregate classification.

Literature cited by the submitters: PubMed 22366370 (cited by 6 submitters); PubMed 31143303 (cited by 3 submitters); PubMed 29161300 (cited by 5 submitters); PubMed 32467295 (cited by Quest Diagnostics Nichols Institute San Juan Capistrano); PubMed 33471991 (cited by 3 submitters); PubMed 38509102 (cited by Quest Diagnostics Nichols Institute San Juan Capistrano); PubMed 25348012 (cited by Quest Diagnostics Nichols Institute San Juan Capistrano); PubMed 34326862 (cited by Quest Diagnostics Nichols Institute San Juan Capistrano and Women's Health and Genetics/Laboratory Corporation of America, LabCorp); PubMed 18844490 (cited by Women's Health and Genetics/Laboratory Corporation of America, LabCorp); PubMed 37713444 (cited by Women's Health and Genetics/Laboratory Corporation of America, LabCorp); PubMed 37725113 (cited by Women's Health and Genetics/Laboratory Corporation of America, LabCorp).